The following is an entry in ClinVar:

ClinVar aggregate classification (germline): Likely benign. Review status: criteria provided, multiple submitters, no conflicts (2 of 4 stars). 4 submissions from 4 submitters: Likely benign (4). Last evaluated 2025-10-22.

Conditions:
Cardiovascular phenotype. Identifiers: MedGen CN230736.
Familial hypobetalipoproteinemia 1. Also called: Hypobetalipoproteinemia, normotriglyceridemic; Acanthocytosis with hypobetalipoproteinemia; APOB-Related Familial Hypobetalipoproteinemia. Identifiers: MedGen C4551990, MONDO:0014252, OMIM 615558.
Hypercholesterolemia, autosomal dominant, type B (FHCL2). Also called: Familial Hypercholesterolemia Type B; HYPERCHOLESTEROLEMIA, FAMILIAL, DUE TO LIGAND-DEFECTIVE APOLIPOPROTEIN B; Familial hypercholesterolemia 2; APOB-Related Familial Hypercholesterolemia, Autosomal Dominant; APOLIPOPROTEIN B-100, FAMILIAL DEFECTIVE; APOLIPOPROTEIN B-100, FAMILIAL LIGAND-DEFECTIVE. Identifiers: MedGen C1704417, MONDO:0007751, OMIM 144010.
Familial hypercholesterolemia. Also called: Familial hypercholesterolemias; Familial hypercholesterolaemia. Identifiers: MedGen C0020445, MONDO:0005439.

Allele frequency attached by ClinVar (database versions not stated): gnomAD exomes 0.00001 and 0.00002; ExAC 0.00002; 1000 Genomes Project 30x 0.00047; gnomAD 0.00005 and 0.00007; TOPMed 0.00008; ESP Exome Variant Server 0.00015; 1000 Genomes Project 0.00020.
gnomAD v4.1: 19 of 1,613,546 alleles (0.0012%); highest among the groups gnomAD compares: African/African-American, 0.025%; no homozygotes.

Submissions (4):

Quest Diagnostics Nichols Institute San Juan Capistrano
Classification: Likely benign. Last evaluated: 2025-10-22. Review status: criteria provided, single submitter. Criteria: Quest Diagnostics criteria. Collection method: clinical testing. Allele origin: unknown.

GENinCode PLC
Classification: Likely benign for Familial hypercholesterolemia. Last evaluated: 2023-12-22. Review status: criteria provided, single submitter. Criteria: ACMG Guidelines, 2015. Collection method: clinical testing. Allele origin: germline.
Comment: This is a synonymous (silent) variant that is not predicted by SpliceAI to impact splicing. In addition, it occurs at a nucleotide that is not conserved. Therefore this variant has been classified as Likely Benign (BP4, BP7).

Labcorp Genetics (formerly Invitae), Labcorp
Classification: Likely benign for Familial hypobetalipoproteinemia 1; Hypercholesterolemia, autosomal dominant, type B. Last evaluated: 2023-09-18. Review status: criteria provided, single submitter. Criteria: Invitae Variant Classification Sherloc (09022015). Collection method: clinical testing. Allele origin: germline.

Ambry Genetics
Classification: Likely benign for Cardiovascular phenotype. Last evaluated: 2020-06-21. Review status: criteria provided, single submitter. Criteria: Ambry Variant Classification Scheme 2023. Collection method: clinical testing. Allele origin: germline.

NM_000384.3(APOB):c.6816C>T (p.His2272=)

Gene: APOB (apolipoprotein B; minus strand). Cytogenetic location: 2p24.1.
Variant type: single nucleotide variant.
Coding change: c.6816C>T on transcript NM_000384.3 (MANE Select); coding-DNA position 6816, C replaced by T.
Protein change: p.His2272=; no amino-acid change (histidine 2272 retained).
Molecular consequence: synonymous variant.
Genome position (GRCh38, 1-based): chr2:21,010,052, G>A on the plus strand (C>T on the coding strand, the complement: APOB is on the minus strand). VCF-style: chr2-21010052-G-A. GRCh37 (hg19) VCF-style: chr2-21232924-G-A.
Identifiers: ClinVar variation 918976 (VCV000918976.14), dbSNP rs142955287, ClinGen allele CA063572.